The following is an entry in ClinVar:

NM_001271803.2(REEP2):c.514G>A (p.Gly172Ser)

Gene: REEP2 (receptor accessory protein 2; plus strand). Cytogenetic location: 5q31.2.
Variant type: single nucleotide variant.
Coding change: c.514G>A on transcript NM_001271803.2 (MANE Select); coding-DNA position 514, G replaced by A.
Protein change: p.Gly172Ser; replaces glycine 172 with serine.
Molecular consequence: missense variant. On other transcripts: non-coding transcript variant (2).
Genome position (GRCh38, 1-based): chr5:138,445,324, G>A. VCF-style: chr5-138445324-G-A. GRCh37 (hg19) VCF-style: chr5-137781013-G-A.
Other names: c.508G>A, p.Gly170Ser (NM_016606.4); short protein forms G170S, G172S.
Identifiers: ClinVar variation 2073637 (VCV002073637.4), dbSNP rs776897232, ClinGen allele CA3429841.

ClinVar aggregate classification (germline): Uncertain significance (1 of 4 stars; one submission).

Conditions:
Hereditary spastic paraplegia 72 (SPG72A). Also called: Spastic paraplegia 72, autosomal recessive. Identifiers: Orphanet 401849, MedGen C5882669, MONDO:0014282, OMIM 615625.

Allele frequency attached by ClinVar (database versions not stated): ExAC 0.00008; TOPMed 0.00003.
gnomAD v4.1: 54 of 1,613,456 alleles (0.0033%); highest among the groups gnomAD compares: South Asian, 0.015%; 1 homozygote.

Submission:

Labcorp Genetics (formerly Invitae), Labcorp
Classification: Uncertain significance for Hereditary spastic paraplegia 72. Last evaluated: 2024-02-05. Review status: criteria provided, single submitter. Criteria: Invitae Variant Classification Sherloc (09022015). Collection method: clinical testing. Allele origin: germline.
Comment: This sequence change replaces glycine, which is neutral and non-polar, with serine, which is neutral and polar, at codon 172 of the REEP2 protein (p.Gly172Ser). This variant is present in population databases (rs776897232, gnomAD 0.01%). This variant has not been reported in the literature in individuals affected with REEP2-related conditions. ClinVar contains an entry for this variant (Variation ID: 2073637). Algorithms developed to predict the effect of missense changes on protein structure and function output the following: SIFT: "Not Available"; PolyPhen-2: "Benign"; Align-GVGD: "Not Available". The serine amino acid residue is found in multiple mammalian species, which suggests that this missense change does not adversely affect protein function. In summary, the available evidence is currently insufficient to determine the role of this variant in disease. Therefore, it has been classified as a Variant of Uncertain Significance.